The following is an entry in ClinVar:

ClinVar aggregate classification (germline): Pathogenic (1 of 4 stars; one submission).

Conditions:
Cholestanol storage disease (CTX). Also called: CTX: Cerebrotendinous xanthomatosis; CEREBRAL CHOLESTERINOSIS; Cerebrotendinous Xanthomatosis. Identifiers: Orphanet 909, MedGen C0238052, MONDO:0008948, OMIM 213700.

Submission:

Labcorp Genetics (formerly Invitae), Labcorp
Classification: Pathogenic for Cholestanol storage disease. Last evaluated: 2024-01-29. Review status: criteria provided, single submitter. Criteria: Invitae Variant Classification Sherloc (09022015). Collection method: clinical testing. Allele origin: germline.
Comment: This sequence change creates a premature translational stop signal (p.Tyr219Thrfs*20) in the CYP27A1 gene. It is expected to result in an absent or disrupted protein product. Loss-of-function variants in CYP27A1 are known to be pathogenic (PMID: 9392430, 10775536, 26937392). This variant is not present in population databases (gnomAD no frequency). This variant has not been reported in the literature in individuals affected with CYP27A1-related conditions. For these reasons, this variant has been classified as Pathogenic.

Literature cited by the submitters: PubMed 9392430; PubMed 10775536; PubMed 26937392.

NM_000784.4(CYP27A1):c.654del (p.Tyr219fs)

Gene: CYP27A1 (cytochrome P450 family 27 subfamily A member 1; plus strand). Cytogenetic location: 2q35.
Variant type: Deletion.
Coding change: c.654del on transcript NM_000784.4 (MANE Select); coding-DNA position 654, one base deleted (C; older notation c.654delC).
Protein change: p.Tyr219fs; shifts the reading frame from tyrosine 219.
Molecular consequence: frameshift variant.
Genome position (GRCh38, 1-based): chr2:218,812,559, C deleted. VCF-style (leftmost placement, unchanged base first): chr2-218812558-GC-G. GRCh37 (hg19) VCF-style: chr2-219677281-GC-G.
Other names: short protein forms Y219fs.
Identifiers: ClinVar variation 2908842 (VCV002908842.3), dbSNP rs2470226845, ClinGen allele CA2739278977.